The following is an entry in ClinVar:

NM_015001.3(SPEN):c.504T>G (p.Asp168Glu)

Gene: SPEN (spen family transcriptional repressor; plus strand). Cytogenetic location: 1p36.21.
Variant type: single nucleotide variant.
Coding change: c.504T>G on transcript NM_015001.3 (MANE Select); coding-DNA position 504, T replaced by G.
Protein change: p.Asp168Glu; replaces aspartic acid 168 with glutamic acid.
Molecular consequence: missense variant.
Genome position (GRCh38, 1-based): chr1:15,876,301, T>G. VCF-style: chr1-15876301-T-G. GRCh37 (hg19) VCF-style: chr1-16202796-T-G.
Other names: short protein forms D168E.
Identifiers: ClinVar variation 3774873 (VCV003774873.1).

ClinVar aggregate classification (germline): Uncertain significance (1 of 4 stars; one submission).

Submission:

GeneDx
Classification: Uncertain significance. Last evaluated: 2024-09-28. Review status: criteria provided, single submitter. Criteria: GeneDx Variant Classification Process June 2021. Collection method: clinical testing. Allele origin: germline. Affected: yes.
Comment: Not observed at significant frequency in large population cohorts (gnomAD); In silico analysis indicates that this missense variant does not alter protein structure/function; Has not been previously published as pathogenic or benign to our knowledge